The following is an entry in ClinVar:

ClinVar aggregate classification (germline): Uncertain significance (1 of 4 stars; one submission).

Conditions:
Epilepsy, familial focal, with variable foci 3 (FFEVF3). Identifiers: MedGen C4310708, MONDO:0014925, OMIM 617118.

Submission:

Labcorp Genetics (formerly Invitae), Labcorp
Classification: Uncertain significance for Epilepsy, familial focal, with variable foci 3. Last evaluated: 2024-06-25. Review status: criteria provided, single submitter. Criteria: Invitae Variant Classification Sherloc (09022015). Collection method: clinical testing. Allele origin: germline.
Comment: This sequence change replaces leucine, which is neutral and non-polar, with arginine, which is basic and polar, at codon 295 of the NPRL3 protein (p.Leu295Arg). This variant is not present in population databases (gnomAD no frequency). This variant has not been reported in the literature in individuals affected with NPRL3-related conditions. Advanced modeling of protein sequence and biophysical properties (such as structural, functional, and spatial information, amino acid conservation, physicochemical variation, residue mobility, and thermodynamic stability) performed at Invitae indicates that this missense variant is expected to disrupt NPRL3 protein function with a positive predictive value of 80%. In summary, the available evidence is currently insufficient to determine the role of this variant in disease. Therefore, it has been classified as a Variant of Uncertain Significance.

NM_001077350.3(NPRL3):c.884T>G (p.Leu295Arg)

Genes: HBA-LCR (alpha-globin locus control region; plus strand), NPRL3 (NPR3 like, GATOR1 complex subunit; minus strand). Cytogenetic location: 16p13.3.
Variant type: single nucleotide variant.
Coding change: c.884T>G on transcript NM_001077350.3 (MANE Select); coding-DNA position 884, T replaced by G.
Protein change: p.Leu295Arg; replaces leucine 295 with arginine.
Molecular consequence: missense variant.
Genome position (GRCh38, 1-based): chr16:98,185, A>C on the plus strand (T>G on the coding strand, the complement: NPRL3 is on the minus strand). VCF-style: chr16-98185-A-C. GRCh37 (hg19) VCF-style: chr16-148183-A-C.
Other names: c.347T>G, p.Leu116Arg (NM_001039476.3); c.650T>G, p.Leu217Arg (NM_001243247.2); c.809T>G, p.Leu270Arg (NM_001243248.2, NM_001243249.2); short protein forms L116R, L270R, L217R, L295R.
Identifiers: ClinVar variation 3657727 (VCV003657727.2).
Genomic context (GRCh38, chr16:98,185, plus strand): 5'-CTGGGCCTCCAGAGCTATACCTGCAGCAAGGCCAGGTCCGCATCTTGGGCTAGCTGCTGC[A>C]GGTTCTTCACAGCAGATGTGGTCTTGATCACCCGCACTAGGGCAGGGGAGCAGTCAATAG-3'
Protein context (NP_001070818.1, residues 285-305): VIKTTSAVKN[Leu295Arg]QQLAQDADLA